The following is an entry in ClinVar:

NM_153638.4(PANK2):c.31G>A (p.Val11Ile)

Genes: PANK2 (pantothenate kinase 2; plus strand), PANK2-AS1 (PANK2 antisense RNA 1; minus strand). Cytogenetic location: 20p13.
Variant type: single nucleotide variant.
Coding change: c.31G>A on transcript NM_153638.4; coding-DNA position 31, G replaced by A.
Protein change: p.Val11Ile; replaces valine 11 with isoleucine.
Molecular consequence: missense variant. On other transcripts: intron variant (1).
Genome position (GRCh38, 1-based): chr20:3,889,131, G>A. VCF-style: chr20-3889131-G-A. GRCh37 (hg19) VCF-style: chr20-3869778-G-A.
Other names: c.31G>A, p.Val11Ile (NM_001324192.1); c.-246+227G>A (NM_024960.6); short protein forms V11I.
Identifiers: ClinVar variation 289028 (VCV000289028.11), dbSNP rs886044063, ClinGen allele CA10606301.
Genomic context (GRCh38, chr20:3,889,131, plus strand): 5'-GCACAAGTGGGGGGCGGAAGGAGGGGGTGGATGAGGAGGCTCGGGCCCTTCCACCCACGC[G>A]TCCATTGGGCGGCGCCGCCATCACTCTCTTCTGGGCTACACCGCCTTCTCTTCCTCCGCG-3'

ClinVar aggregate classification (germline): Uncertain significance. Review status: criteria provided, multiple submitters, no conflicts (2 of 4 stars). 2 submissions from 2 submitters: Uncertain significance (2). Last evaluated 2022-06-03.

Conditions:
Pigmentary pallidal degeneration (NBIA1). Also called: PKAN NEUROAXONAL DYSTROPHY, JUVENILE-ONSET; HARP SYNDROME; Pantothenate Kinase-Associated Neurodegeneration; Neuroaxonal dystrophy, late infantile; Hallervorden-Spatz disease; Neurodegeneration with brain iron accumulation 1. Identifiers: Orphanet 157850, MedGen C0018523, MONDO:0009319, OMIM 234200.

Allele frequency attached by ClinVar (database versions not stated): gnomAD exomes below 0.00001.
gnomAD v4.1: 5 of 1,558,942 alleles (0.00032%); highest among the groups gnomAD compares: Non-Finnish European, 0.00043%; no homozygotes.

Submissions (2):

Labcorp Genetics (formerly Invitae), Labcorp
Classification: Uncertain significance for Pigmentary pallidal degeneration. Last evaluated: 2022-06-03. Review status: criteria provided, single submitter. Criteria: Invitae Variant Classification Sherloc (09022015). Collection method: clinical testing. Allele origin: germline.
Comment: In summary, the available evidence is currently insufficient to determine the role of this variant in disease. Therefore, it has been classified as a Variant of Uncertain Significance. Algorithms developed to predict the effect of missense changes on protein structure and function (SIFT, PolyPhen-2, Align-GVGD) all suggest that this variant is likely to be tolerated. ClinVar contains an entry for this variant (Variation ID: 289028). This variant has not been reported in the literature in individuals affected with PANK2-related conditions. This variant is not present in population databases (gnomAD no frequency). This sequence change replaces valine, which is neutral and non-polar, with isoleucine, which is neutral and non-polar, at codon 11 of the PANK2 protein (p.Val11Ile).

Eurofins Ntd Llc (ga)
Classification: Uncertain significance. Last evaluated: 2016-06-30. Review status: criteria provided, single submitter. Criteria: EGL Classification Definitions 2015. Collection method: clinical testing. Allele origin: germline. Observed: 1 variant allele, 1 heterozygote.